The following is an entry in ClinVar:

ClinVar aggregate classification (germline): Uncertain significance. Review status: criteria provided, multiple submitters, no conflicts (2 of 4 stars). 3 submissions from 3 submitters: Uncertain significance (3). Last evaluated 2024-04-29.

Conditions:
Malignant hyperthermia, susceptibility to, 1 (MHS1). Also called: Anesthesia related hyperthermia; Malignant hyperpyrexia; Fulminating hyperpyrexia; Pharmacogenic myopathy; RYR1-Related Malignant Hyperthermia Susceptibility; Malignant hyperthermia suceptibility 1. Identifiers: Orphanet 423, MedGen C2930980, MONDO:0007783, OMIM 145600.
RYR1-related disorder. Also called: RYR1-related disorders; RYR1-related condition. Identifiers: MedGen CN239331.

Allele frequency attached by ClinVar (database versions not stated): gnomAD exomes below 0.00001; TOPMed below 0.00001; ExAC 0.00001.
gnomAD v4.1: 1 of 1,613,966 alleles (0.000062%); highest among the groups gnomAD compares: Admixed American, 0.0017%; no homozygotes.

Submissions (3):

Labcorp Genetics (formerly Invitae), Labcorp
Classification: Uncertain significance for RYR1-related disorder. Last evaluated: 2024-04-29. Review status: criteria provided, single submitter. Criteria: Invitae Variant Classification Sherloc (09022015). Collection method: clinical testing. Allele origin: germline.
Comment: This sequence change replaces glycine, which is neutral and non-polar, with serine, which is neutral and polar, at codon 1196 of the RYR1 protein (p.Gly1196Ser). This variant is present in population databases (rs761486341, gnomAD 0.003%). This variant has not been reported in the literature in individuals affected with RYR1-related conditions. ClinVar contains an entry for this variant (Variation ID: 1417515). Advanced modeling of protein sequence and biophysical properties (such as structural, functional, and spatial information, amino acid conservation, physicochemical variation, residue mobility, and thermodynamic stability) performed at Invitae indicates that this missense variant is not expected to disrupt RYR1 protein function with a negative predictive value of 95%. In summary, the available evidence is currently insufficient to determine the role of this variant in disease. Therefore, it has been classified as a Variant of Uncertain Significance.

All of Us Research Program, National Institutes of Health
Classification: Uncertain significance for Malignant hyperthermia, susceptibility to, 1. Last evaluated: 2024-01-11. Review status: criteria provided, single submitter. Criteria: ACMG Guidelines, 2015. Collection method: clinical testing. Allele origin: germline. Inheritance: Autosomal dominant inheritance. Observed: 1 variant allele, 1 heterozygote.
Comment: This study involves interpretation of variants in research participants for the purpose of population health screening. Participant phenotype was not available at the time of variant classification. Additional details can be found in publication PMID: 35346344, PMCID: PMC8962531

Revvity Omics, Revvity
Classification: Uncertain significance. Last evaluated: 2021-01-22. Review status: criteria provided, single submitter. Criteria: ACMG Guidelines, 2015. Collection method: clinical testing. Allele origin: germline.

NM_000540.3(RYR1):c.3586G>A (p.Gly1196Ser)

Gene: RYR1 (ryanodine receptor 1; plus strand). Cytogenetic location: 19q13.2.
Variant type: single nucleotide variant.
Coding change: c.3586G>A on transcript NM_000540.3 (MANE Select); coding-DNA position 3586, G replaced by A.
Protein change: p.Gly1196Ser; replaces glycine 1196 with serine.
Molecular consequence: missense variant.
Genome position (GRCh38, 1-based): chr19:38,469,334, G>A. VCF-style: chr19-38469334-G-A. GRCh37 (hg19) VCF-style: chr19-38959974-G-A.
Other names: c.3586G>A (NM_000540.2); c.3586G>A, p.Gly1196Ser (NM_001042723.2); short protein forms G1196S.
Identifiers: ClinVar variation 1417515 (VCV001417515.9), dbSNP rs761486341, ClinGen allele CA065044.
Genomic context (GRCh38, chr19:38,469,334, plus strand): 5'-TCACCCCTGCCCATCCATCCCCTCCCACCAGGCTTCCTGCCCGTCTGCAGCTTGGGACCT[G>A]GCCAGGTGGGTCATCTGAACCTGGGCCAGGACGTGAGCTCTCTGAGGTTCTTTGCCATCT-3'
Protein context (NP_000531.2, residues 1186-1206): GFLPVCSLGP[Gly1196Ser]QVGHLNLGQD